The following is an entry in ClinVar:

ClinVar aggregate classification (germline): Pathogenic (1 of 4 stars; one submission).

Submission:

Labcorp Genetics (formerly Invitae), Labcorp
Classification: Pathogenic. Last evaluated: 2024-04-29. Review status: criteria provided, single submitter. Criteria: Invitae Variant Classification Sherloc (09022015). Collection method: clinical testing. Allele origin: germline.
Comment: This sequence change creates a premature translational stop signal (p.Trp1840*) in the EYS gene. It is expected to result in an absent or disrupted protein product. Loss-of-function variants in EYS are known to be pathogenic (PMID: 18836446, 20333770). This variant is not present in population databases (gnomAD no frequency). This premature translational stop signal has been observed in individual(s) with retinitis pigmentosa (PMID: 29785639). ClinVar contains an entry for this variant (Variation ID: 1454939). For these reasons, this variant has been classified as Pathogenic.

Literature cited by the submitters: PubMed 18836446; PubMed 20333770; PubMed 29785639.

NM_001142800.2(EYS):c.5520G>A (p.Trp1840Ter)

Gene: EYS (EGF-like photoreceptor maintenance factor; minus strand). Cytogenetic location: 6q12.
Variant type: single nucleotide variant.
Coding change: c.5520G>A on transcript NM_001142800.2 (MANE Select); coding-DNA position 5520, G replaced by A.
Protein change: p.Trp1840Ter; replaces tryptophan 1840 with a stop codon.
Molecular consequence: nonsense.
Genome position (GRCh38, 1-based): chr6:64,590,347, C>T on the plus strand (G>A on the coding strand, the complement: EYS is on the minus strand). VCF-style: chr6-64590347-C-T. GRCh37 (hg19) VCF-style: chr6-65300240-C-T.
Other names: c.5520G>A, p.Trp1840Ter (NM_001292009.2); short protein forms W1840*.
Identifiers: ClinVar variation 1454939 (VCV001454939.8), dbSNP rs2149831000, ClinGen allele CA364780929.